The following is an entry in ClinVar:

NM_022124.6(CDH23):c.8847C>G (p.Tyr2949Ter)

Gene: CDH23 (cadherin related 23; plus strand). Cytogenetic location: 10q22.1.
Variant type: single nucleotide variant.
Coding change: c.8847C>G on transcript NM_022124.6 (MANE Select); coding-DNA position 8847, C replaced by G.
Protein change: p.Tyr2949Ter; replaces tyrosine 2949 with a stop codon.
Molecular consequence: nonsense.
Genome position (GRCh38, 1-based): chr10:71,809,944, C>G. VCF-style: chr10-71809944-C-G. GRCh37 (hg19) VCF-style: chr10-73569701-C-G.
Other names: c.2127C>G, p.Tyr709Ter (NM_001171933.1, NM_001171934.1); c.8847C>G (NM_022124.5); short protein forms Y2949*, Y709*.
Identifiers: ClinVar variation 2971009 (VCV002971009.4), dbSNP rs767739746, ClinGen allele CA377133535.

ClinVar aggregate classification (germline): Pathogenic/Likely pathogenic. Review status: criteria provided, multiple submitters, no conflicts (2 of 4 stars). 2 submissions from 2 submitters: Pathogenic (1); Likely pathogenic (1). Last evaluated 2025-12-01.

Conditions:
Usher syndrome type 1 (USH1). Also called: RETINITIS PIGMENTOSA AND CONGENITAL DEAFNESS. Identifiers: Orphanet 231169, Orphanet 886, MedGen C1568247, MONDO:0010168, OMIM 276900.

Submissions (2):

Natera, Inc.
Classification: Likely pathogenic for Usher syndrome type 1. Last evaluated: 2025-12-01. Review status: criteria provided, single submitter. Criteria: Natera Variant Classification Schema (03/2026). Collection method: clinical testing. Allele origin: germline.
Comment: The c.8847C>G variant in CDH23 is a nonsense variant predicted to introduce a stop codon at amino acid 2949. This variant is expected to result in nonsense mediated decay, truncation, or a dysfunctional protein product. This variant is rare in the general population with a frequency below the threshold expected for the associated phenotype(s). Given the available evidence, this variant is classified as Likely Pathogenic.

Labcorp Genetics (formerly Invitae), Labcorp
Classification: Pathogenic. Last evaluated: 2023-10-15. Review status: criteria provided, single submitter. Criteria: Invitae Variant Classification Sherloc (09022015). Collection method: clinical testing. Allele origin: germline.
Comment: This sequence change creates a premature translational stop signal (p.Tyr2949*) in the CDH23 gene. It is expected to result in an absent or disrupted protein product. Loss-of-function variants in CDH23 are known to be pathogenic (PMID: 11138009, 21940737). This variant is not present in population databases (gnomAD no frequency). This variant has not been reported in the literature in individuals affected with CDH23-related conditions. For these reasons, this variant has been classified as Pathogenic.

Literature cited by the submitters: PubMed 11138009 (cited by Labcorp Genetics (formerly Invitae), Labcorp); PubMed 21940737 (cited by Labcorp Genetics (formerly Invitae), Labcorp).